The following is an entry in ClinVar:

ClinVar aggregate classification (germline): Benign. Review status: criteria provided, multiple submitters, no conflicts (2 of 4 stars). 2 submissions from 2 submitters: Benign (2). Last evaluated 2018-06-20.

Allele frequency attached by ClinVar (database versions not stated): gnomAD 0.66600 and 0.67249; gnomAD exomes 0.66667; TOPMed 0.67165; 1000 Genomes Project 30x 0.70971; 1000 Genomes Project 0.71326.
gnomAD v4.1: 101,349 of 150,804 alleles (67%); highest among the groups gnomAD compares: South Asian, 84%; 34,249 homozygotes.

Submissions (2):

GeneDx
Classification: Benign. Last evaluated: 2018-06-20. Review status: criteria provided, single submitter. Criteria: GeneDx Variant Classification (06012015). Collection method: clinical testing. Allele origin: germline. Affected: yes.
Comment: This variant is considered likely benign or benign based on one or more of the following criteria: it is a conservative change, it occurs at a poorly conserved position in the protein, it is predicted to be benign by multiple in silico algorithms, and/or has population frequency not consistent with disease.

Breakthrough Genomics
Classification: Benign. Review status: criteria provided, single submitter. Criteria: ACMG Guidelines, 2015. Collection method: not provided. Allele origin: germline. Inheritance: Autosomal recessive inheritance. Affected: yes.

NM_006070.6(TFG):c.-149G>C

Gene: TFG (trafficking from ER to golgi regulator; plus strand). Cytogenetic location: 3q12.2.
Variant type: single nucleotide variant.
Coding change: c.-149G>C on transcript NM_006070.6 (MANE Select); 149 bases upstream of the start codon, G replaced by C.
Molecular consequence: 5 prime UTR variant. On other transcripts: intron variant (2).
Genome position (GRCh38, 1-based): chr3:100,709,616, G>C. VCF-style: chr3-100709616-G-C. GRCh37 (hg19) VCF-style: chr3-100428460-G-C.
Other names: c.-149G>C (NM_001195479.2); c.-44+185G>C (NM_001007565.2); c.-44+28G>C (NM_001195478.2).
Identifiers: ClinVar variation 670587 (VCV000670587.2), dbSNP rs1059363, ClinGen allele CA11555004.